The following is an entry in ClinVar:

ClinVar aggregate classification (germline): Uncertain significance (1 of 4 stars; one submission).

Allele frequency attached by ClinVar (database versions not stated): gnomAD exomes below 0.00001.
gnomAD v4.1: 3 of 1,562,446 alleles (0.00019%); highest among the groups gnomAD compares: Non-Finnish European, 0.00026%; no homozygotes.

Submission:

Labcorp Genetics (formerly Invitae), Labcorp
Classification: Uncertain significance. Last evaluated: 2022-07-15. Review status: criteria provided, single submitter. Criteria: Invitae Variant Classification Sherloc (09022015). Collection method: clinical testing. Allele origin: germline.
Comment: In summary, the available evidence is currently insufficient to determine the role of this variant in disease. Therefore, it has been classified as a Variant of Uncertain Significance. Algorithms developed to predict the effect of missense changes on protein structure and function output the following: SIFT: "Tolerated"; PolyPhen-2: "Not Available"; Align-GVGD: "Class C0". The glutamic acid amino acid residue is found in multiple mammalian species, which suggests that this missense change does not adversely affect protein function. This variant has not been reported in the literature in individuals affected with PCLO-related conditions. This variant is present in population databases (no rsID available, gnomAD 0.0009%). This sequence change replaces aspartic acid, which is acidic and polar, with glutamic acid, which is acidic and polar, at codon 1203 of the PCLO protein (p.Asp1203Glu).

NM_033026.6(PCLO):c.3609C>G (p.Asp1203Glu)

Gene: PCLO (piccolo presynaptic cytomatrix protein; minus strand). Cytogenetic location: 7q21.11.
Variant type: single nucleotide variant.
Coding change: c.3609C>G on transcript NM_033026.6 (MANE Select); coding-DNA position 3609, C replaced by G.
Protein change: p.Asp1203Glu; replaces aspartic acid 1203 with glutamic acid.
Molecular consequence: missense variant.
Genome position (GRCh38, 1-based): chr7:82,966,179, G>C on the plus strand (C>G on the coding strand, the complement: PCLO is on the minus strand). VCF-style: chr7-82966179-G-C. GRCh37 (hg19) VCF-style: chr7-82595495-G-C.
Other names: c.3609C>G, p.Asp1203Glu (NM_014510.3); short protein forms D1203E.
Identifiers: ClinVar variation 2421482 (VCV002421482.5), dbSNP rs1443839197, ClinGen allele CA367932837.